The following is an entry in ClinVar:

ClinVar aggregate classification (germline): Uncertain significance (1 of 4 stars; one submission).

Submission:

GeneDx
Classification: Uncertain significance. Last evaluated: 2022-10-28. Review status: criteria provided, single submitter. Criteria: GeneDx Variant Classification Process June 2021. Collection method: clinical testing. Allele origin: germline.
Comment: Not observed at significant frequency in large population cohorts (gnomAD); In silico analysis supports that this missense variant has a deleterious effect on protein structure/function; Has not been previously published as pathogenic or benign to our knowledge; Variants in candidate genes are classified as variants of uncertain significance in accordance with ACMG guidelines (Richards et al., 2015)

NM_014921.5(ADGRL1):c.1576A>G (p.Asn526Asp)

Genes: ADGRL1 (adhesion G protein-coupled receptor L1; minus strand), ADGRL1-AS1 (ADGRL1 antisense RNA 1; plus strand). Cytogenetic location: 19p13.12.
Variant type: single nucleotide variant.
Coding change: c.1576A>G on transcript NM_014921.5 (MANE Select); coding-DNA position 1576, A replaced by G.
Protein change: p.Asn526Asp; replaces asparagine 526 with aspartic acid.
Molecular consequence: missense variant.
Genome position (GRCh38, 1-based): chr19:14,160,631, T>C on the plus strand (A>G on the coding strand, the complement: ADGRL1 is on the minus strand). VCF-style: chr19-14160631-T-C. GRCh37 (hg19) VCF-style: chr19-14271443-T-C.
Other names: c.1591A>G, p.Asn531Asp (NM_001008701.3); short protein forms N526D, N531D.
Identifiers: ClinVar variation 4891520 (VCV004891520.1).